The following is an entry in ClinVar:

NM_001457.4(FLNB):c.6780C>G (p.Tyr2260Ter)

Gene: FLNB (filamin B; plus strand). Cytogenetic location: 3p14.3.
Variant type: single nucleotide variant.
Coding change: c.6780C>G on transcript NM_001457.4 (MANE Select); coding-DNA position 6780, C replaced by G.
Protein change: p.Tyr2260Ter; replaces tyrosine 2260 with a stop codon.
Molecular consequence: nonsense.
Genome position (GRCh38, 1-based): chr3:58,155,967, C>G. VCF-style: chr3-58155967-C-G. GRCh37 (hg19) VCF-style: chr3-58141694-C-G.
Other names: c.6873C>G, p.Tyr2291Ter (NM_001164317.2); c.6747C>G, p.Tyr2249Ter (NM_001164318.2); c.6708C>G, p.Tyr2236Ter (NM_001164319.2); short protein forms Y2236*, Y2291*, Y2260*, Y2249*.
Identifiers: ClinVar variation 3012202 (VCV003012202.3), dbSNP rs541513836, ClinGen allele CA353361694.

ClinVar aggregate classification (germline): Pathogenic (1 of 4 stars; one submission).

gnomAD v4.1: 1 of 1,605,620 alleles (0.000062%); highest among the groups gnomAD compares: Non-Finnish European, 0.000085%; no homozygotes.

Submission:

Labcorp Genetics (formerly Invitae), Labcorp
Classification: Pathogenic. Last evaluated: 2023-02-13. Review status: criteria provided, single submitter. Criteria: Invitae Variant Classification Sherloc (09022015). Collection method: clinical testing. Allele origin: germline.
Comment: This sequence change creates a premature translational stop signal (p.Tyr2260*) in the FLNB gene. It is expected to result in an absent or disrupted protein product. Loss-of-function variants in FLNB are known to be pathogenic (PMID: 14991055). For these reasons, this variant has been classified as Pathogenic. This variant has not been reported in the literature in individuals affected with FLNB-related conditions. This variant is not present in population databases (gnomAD no frequency).

Literature cited by the submitters: PubMed 14991055.